The following is an entry in ClinVar:

NM_198253.3(TERT):c.1232C>T (p.Thr411Met)

Gene: TERT (telomerase reverse transcriptase; minus strand). Cytogenetic location: 5p15.33.
Variant type: single nucleotide variant.
Coding change: c.1232C>T on transcript NM_198253.3 (MANE Select); coding-DNA position 1232, C replaced by T.
Protein change: p.Thr411Met; replaces threonine 411 with methionine.
Molecular consequence: missense variant. On other transcripts: non-coding transcript variant (2).
Genome position (GRCh38, 1-based): chr5:1,293,654, G>A on the plus strand (C>T on the coding strand, the complement: TERT is on the minus strand). VCF-style: chr5-1293654-G-A. GRCh37 (hg19) VCF-style: chr5-1293769-G-A.
Other names: c.1232C>T, p.Thr411Met (NM_001193376.3); short protein forms T411M.
Identifiers: ClinVar variation 861136 (VCV000861136.12), dbSNP rs1262077490, ClinGen allele CA359086473.
Genomic context (GRCh38, chr5:1,293,654, plus strand): 5'-GGCTTCTCCCGGGCACAGACACCGGCTGCTGGGGTGACCGCAGCTCGCAGCGGGCAGTGC[G>A]TCTTGAGGAGCACCCCGTAGGGGCACTGCGCGTGGTTCCCAAGCAGCTCCAGAAACAGGG-3'
Protein context (NP_937983.2, residues 401-421): AQCPYGVLLK[Thr411Met]HCPLRAAVTP

ClinVar aggregate classification (germline): Uncertain significance. Review status: criteria provided, multiple submitters, no conflicts (2 of 4 stars). 2 submissions from 2 submitters: Uncertain significance (2). Last evaluated 2025-06-03.

Conditions:
Dyskeratosis congenita. Identifiers: Orphanet 1775, MedGen C0265965, MONDO:0015780.
Dyskeratosis congenita, autosomal dominant 2. Identifiers: MedGen C3151443, MONDO:0013521, OMIM 613989.
Idiopathic Pulmonary Fibrosis. Also called: Idiopathic fibrosing alveolitis, chronic form; idiopathic fibrosing alveolitis. Identifiers: Orphanet 2032, MedGen C1800706, MeSH D054990, MONDO:0800504.

Allele frequency attached by ClinVar (database versions not stated): gnomAD exomes below 0.00001; TOPMed below 0.00001; gnomAD 0.00001.
gnomAD v4.1: 3 of 1,562,100 alleles (0.00019%); highest among the groups gnomAD compares: Admixed American, 0.0019%; no homozygotes.

Submissions (2):

Ambry Genetics
Classification: Uncertain significance for Dyskeratosis congenita. Last evaluated: 2025-06-03. Review status: criteria provided, single submitter. Criteria: Ambry Variant Classification Scheme 2023. Collection method: clinical testing. Allele origin: germline.
Comment: The p.T411M variant (also known as c.1232C>T), located in coding exon 2 of the TERT gene, results from a C to T substitution at nucleotide position 1232. The threonine at codon 411 is replaced by methionine, an amino acid with similar properties. This amino acid position is poorly conserved in available vertebrate species. In addition, this alteration is predicted to be tolerated by in silico analysis. Based on the available evidence, the clinical significance of this variant remains unclear.

Labcorp Genetics (formerly Invitae), Labcorp
Classification: Uncertain significance for Dyskeratosis congenita, autosomal dominant 2; Idiopathic Pulmonary Fibrosis. Last evaluated: 2024-10-29. Review status: criteria provided, single submitter. Criteria: Invitae Variant Classification Sherloc (09022015). Collection method: clinical testing. Allele origin: germline.
Comment: This sequence change replaces threonine, which is neutral and polar, with methionine, which is neutral and non-polar, at codon 411 of the TERT protein (p.Thr411Met). This variant is not present in population databases (gnomAD no frequency). This variant has not been reported in the literature in individuals affected with TERT-related conditions. ClinVar contains an entry for this variant (Variation ID: 861136). Invitae Evidence Modeling of protein sequence and biophysical properties (such as structural, functional, and spatial information, amino acid conservation, physicochemical variation, residue mobility, and thermodynamic stability) indicates that this missense variant is not expected to disrupt TERT protein function with a negative predictive value of 95%. In summary, the available evidence is currently insufficient to determine the role of this variant in disease. Therefore, it has been classified as a Variant of Uncertain Significance.